The following is an entry in ClinVar:

NM_007294.4(BRCA1):c.135-6T>G

Gene: BRCA1 (BRCA1 DNA repair associated; minus strand). Cytogenetic location: 17q21.31.
Variant type: single nucleotide variant.
Coding change: c.135-6T>G on transcript NM_007294.4 (MANE Select); 6 bases into the intron before coding-DNA position 135, T replaced by G.
Molecular consequence: intron variant.
Genome position (GRCh38, 1-based): chr17:43,106,539, A>C on the plus strand (T>G on the coding strand, the complement: BRCA1 is on the minus strand). VCF-style: chr17-43106539-A-C. GRCh37 (hg19) VCF-style: chr17-41258556-A-C.
Other names: c.-7-6T>G (NM_001407724.1, NM_001407697.1, NM_001407838.1 and 99 more transcripts); c.135-1583T>G (NM_001408415.1, NM_001408475.1, NM_001407875.1 and 21 more transcripts); c.-54-6T>G (NM_001408483.1, NM_001407885.1, NM_001407886.1 and 58 more transcripts); c.135-6T>G (NM_001407634.1, NM_001407610.1, NM_001408442.1 and 167 more transcripts); c.-218-11679T>G (NM_001407967.1, NM_001407966.1); c.-169-1583T>G (NM_001407959.1, NM_001407962.1, NM_001408512.1 and 4 more transcripts); c.81-1583T>G (NM_001408451.1).
Identifiers: ClinVar variation 54216 (VCV000054216.6), dbSNP rs397508859, ClinGen allele CA000903.
Genomic context (GRCh38, chr17:43,106,539, plus strand): 5'-TAAAGGACACTGTGAAGGCCCTTTCTTCTGGTTGAGAAGTTTCAGCATGCAAAATCTATA[A>C]ATTATAAAGAAAGAAAGAACAATTTAATTTACTTCCTTTTGTAGAAAGAATACTCAAAAG-3'

ClinVar aggregate classification (germline): Uncertain significance. Review status: criteria provided, single submitter (1 of 4 stars). 2 submissions from 2 submitters: Uncertain significance (1). 1 of the submissions does not count toward it. Last evaluated 2015-05-01.

Conditions:
Hereditary cancer-predisposing syndrome. Also called: Tumor predisposition; Neoplastic Syndromes, Hereditary; Hereditary Cancer Syndrome; Hereditary neoplastic syndrome. Identifiers: Orphanet 140162, MedGen C0027672, MeSH D009386, MONDO:0015356.
Familial cancer of breast. Also called: Hereditary breast cancer; hereditary breast carcinoma; BREAST CANCER, FAMILIAL. Identifiers: Orphanet 227535, MedGen C0346153, MONDO:0016419, OMIM 114480. Disease mechanism: loss of function.

Submissions (3):

Ambry Genetics
Classification: Uncertain significance for Hereditary cancer-predisposing syndrome. Last evaluated: 2015-05-01. Review status: criteria provided, single submitter. Criteria: Ambry Autosomal Dominant and X-Linked criteria (10/2015). Collection method: clinical testing. Allele origin: germline. Observed: 1 variant allele.
Comment: There is insufficient or conflicting evidence for classification of this alteration.

Brotman Baty Institute, University of Washington
No classification provided (evidence only). Condition: Breast-ovarian cancer, familial 1. Review status: no classification provided. Collection method: in vitro. Allele origin: not applicable. Functional consequence: functionally_normal. Not counted in ClinVar's aggregate classification.
ClinVar note: "not provided" was previously submitted as the classification for the variant. However, the classification appeared to be based only on an observation of functional data so it was converted to no classification on 2025-07-30.

ClinVar Staff, National Center for Biotechnology Information (NCBI)
No classification provided. Condition: Familial cancer of breast. Review status: no classification provided. Collection method: literature only. Allele origin: germline. Affected: yes. Not counted in ClinVar's aggregate classification.

Literature cited by the submitters: PubMed 12037674 (cited by Ambry Genetics and ClinVar Staff, National Center for Biotechnology Information (NCBI)).